The following is an entry in ClinVar:

ClinVar aggregate classification (germline): Uncertain significance (1 of 4 stars; one submission).

Conditions:
Inflammatory bowel disease. Identifiers: Orphanet 104012, MedGen C0021390, MONDO:0005265, HP:0002037.

Allele frequency attached by ClinVar (database versions not stated): TOPMed below 0.00001; gnomAD 0.00001.
gnomAD v4.1: 10 of 1,613,210 alleles (0.00062%); highest among the groups gnomAD compares: Middle Eastern, 0.033%; no homozygotes.

Submission:

Labcorp Genetics (formerly Invitae), Labcorp
Classification: Uncertain significance for Inflammatory bowel disease. Last evaluated: 2021-08-30. Review status: criteria provided, single submitter. Criteria: Invitae Variant Classification Sherloc (09022015). Collection method: clinical testing. Allele origin: germline.
Comment: This sequence change replaces alanine with valine at codon 145 of the IL10 protein (p.Ala145Val). The alanine residue is weakly conserved and there is a small physicochemical difference between alanine and valine. This variant is present in population databases (rs774072665, ExAC 0.001%). This variant has not been reported in the literature in individuals affected with IL10-related conditions. Algorithms developed to predict the effect of missense changes on protein structure and function output the following: SIFT: "Tolerated"; PolyPhen-2: "Benign"; Align-GVGD: "Class C0". The valine amino acid residue is found in multiple mammalian species, which suggests that this missense change does not adversely affect protein function. In summary, the available evidence is currently insufficient to determine the role of this variant in disease. Therefore, it has been classified as a Variant of Uncertain Significance.

NM_000572.3(IL10):c.434C>T (p.Ala145Val)

Gene: IL10 (interleukin 10; minus strand). Cytogenetic location: 1q32.1.
Variant type: single nucleotide variant.
Coding change: c.434C>T on transcript NM_000572.3 (MANE Select); coding-DNA position 434, C replaced by T.
Protein change: p.Ala145Val; replaces alanine 145 with valine.
Molecular consequence: missense variant. On other transcripts: non-coding transcript variant (2).
Genome position (GRCh38, 1-based): chr1:206,769,839, G>A on the plus strand (C>T on the coding strand, the complement: IL10 is on the minus strand). VCF-style: chr1-206769839-G-A. GRCh37 (hg19) VCF-style: chr1-206943184-G-A.
Other names: c.179C>T, p.Ala60Val (NM_001382624.1); short protein forms A60V, A145V.
Identifiers: ClinVar variation 1409149 (VCV001409149.5), dbSNP rs774072665, ClinGen allele CA1363744.